The following is an entry in ClinVar:

NM_000540.3(RYR1):c.4799T>C (p.Met1600Thr)

Gene: RYR1 (ryanodine receptor 1; plus strand). Cytogenetic location: 19q13.2.
Variant type: single nucleotide variant.
Coding change: c.4799T>C on transcript NM_000540.3 (MANE Select); coding-DNA position 4799, T replaced by C.
Protein change: p.Met1600Thr; replaces methionine 1600 with threonine.
Molecular consequence: missense variant.
Genome position (GRCh38, 1-based): chr19:38,483,381, T>C. VCF-style: chr19-38483381-T-C. GRCh37 (hg19) VCF-style: chr19-38974021-T-C.
Other names: c.4799T>C, p.Met1600Thr (NM_001042723.2); short protein forms M1600T.
Identifiers: ClinVar variation 3778097 (VCV003778097.7).
Genomic context (GRCh38, chr19:38,483,381, plus strand): 5'-AAAGCGAGCGCAAGAACCCGGCCCCGCAGTGCCCACCGCGGCTGGAGATGCAGATGCTGA[T>C]GCCAGTGTCCTGGAGCCGCATGCCCAACCACTTCCTGCAGGTGGAGACGAGGCGTGCCGG-3'
Protein context (NP_000531.2, residues 1590-1610): CPPRLEMQML[Met1600Thr]PVSWSRMPNH

ClinVar aggregate classification (germline): Uncertain significance (1 of 4 stars; one submission).

Submission:

CeGaT Center for Human Genetics Tuebingen
Classification: Uncertain significance. Last evaluated: 2025-03-01. Review status: criteria provided, single submitter. Criteria: CeGaT Center For Human Genetics Tuebingen Variant Classification Criteria Version 2. Collection method: clinical testing. Allele origin: germline. Affected: yes. Observed: 1 variant allele.
Comment: RYR1: PM2:Supporting